The following is an entry in ClinVar:

NM_005228.5(EGFR):c.1549G>A (p.Gly517Ser)

Gene: EGFR (epidermal growth factor receptor; plus strand). Cytogenetic location: 7p11.2.
Variant type: single nucleotide variant.
Coding change: c.1549G>A on transcript NM_005228.5 (MANE Select); coding-DNA position 1549, G replaced by A.
Protein change: p.Gly517Ser; replaces glycine 517 with serine.
Molecular consequence: missense variant.
Genome position (GRCh38, 1-based): chr7:55,161,549, G>A. VCF-style: chr7-55161549-G-A. GRCh37 (hg19) VCF-style: chr7-55229242-G-A.
Other names: c.1414G>A, p.Gly472Ser (NM_001346897.2, NM_001346899.2); c.1549G>A, p.Gly517Ser (NM_001346898.2, NM_201282.2, NM_201284.2); c.1390G>A, p.Gly464Ser (NM_001346900.2); c.748G>A, p.Gly250Ser (NM_001346941.2); short protein forms G250S, G464S, G517S, G472S.
Identifiers: ClinVar variation 2749411 (VCV002749411.4), dbSNP rs2128942830, ClinGen allele CA367579872.

ClinVar aggregate classification (germline): Uncertain significance. Review status: criteria provided, multiple submitters, no conflicts (2 of 4 stars). 2 submissions from 2 submitters: Uncertain significance (2). Last evaluated 2025-05-28.

Conditions:
Hereditary cancer-predisposing syndrome. Also called: Hereditary Cancer Syndrome; Neoplastic Syndromes, Hereditary; Tumor predisposition; Hereditary neoplastic syndrome. Identifiers: Orphanet 140162, MedGen C0027672, MeSH D009386, MONDO:0015356.
EGFR-related lung cancer (EGFR). Identifiers: MedGen CN130014.

Submissions (2):

Ambry Genetics
Classification: Uncertain significance for Hereditary cancer-predisposing syndrome. Last evaluated: 2025-05-28. Review status: criteria provided, single submitter. Criteria: Ambry Variant Classification Scheme 2023. Collection method: clinical testing. Allele origin: germline.
Comment: The p.G517S variant (also known as c.1549G>A), located in coding exon 13 of the EGFR gene, results from a G to A substitution at nucleotide position 1549. The glycine at codon 517 is replaced by serine, an amino acid with similar properties. This amino acid position is conserved. In addition, the in silico prediction for this alteration is inconclusive. Based on the available evidence, the clinical significance of this variant remains unclear.

Labcorp Genetics (formerly Invitae), Labcorp
Classification: Uncertain significance for EGFR-related lung cancer. Last evaluated: 2023-05-30. Review status: criteria provided, single submitter. Criteria: Invitae Variant Classification Sherloc (09022015). Collection method: clinical testing. Allele origin: germline.
Comment: This sequence change replaces glycine, which is neutral and non-polar, with serine, which is neutral and polar, at codon 517 of the EGFR protein (p.Gly517Ser). This variant is not present in population databases (gnomAD no frequency). This variant has not been reported in the literature in individuals affected with EGFR-related conditions. Advanced modeling of protein sequence and biophysical properties (such as structural, functional, and spatial information, amino acid conservation, physicochemical variation, residue mobility, and thermodynamic stability) has been performed at Invitae for this missense variant, however the output from this modeling did not meet the statistical confidence thresholds required to predict the impact of this variant on EGFR protein function. In summary, the available evidence is currently insufficient to determine the role of this variant in disease. Therefore, it has been classified as a Variant of Uncertain Significance.